The following is an entry in ClinVar:

ClinVar aggregate classification (germline): Uncertain significance (1 of 4 stars; one submission).

Conditions:
Tooth agenesis, selective, 4 (STHAG4). Also called: LATERAL INCISORS, ABSENCE OF; LATERAL INCISORS, PEGGED OR MISSING; SUCCEDANEOUS TEETH, AGENESIS OF; TOOTH AGENESIS, SELECTIVE, 4, WITH OR WITHOUT ECTODERMAL DYSPLASIA. Identifiers: Orphanet 99798, MedGen C1835492, MONDO:0007881, OMIM 150400. Disease mechanism: loss of function.
Odonto-onycho-dermal dysplasia. Identifiers: Orphanet 2721, MedGen C0796093, MONDO:0009773, OMIM 257980.
Schöpf-Schulz-Passarge syndrome. Also called: ECCRINE TUMORS WITH ECTODERMAL DYSPLASIA; KERATOSIS PALMOPLANTARIS WITH CYSTIC EYELIDS, HYPODONTIA, AND HYPOTRICHOSIS; SchC6pf-Schulz-Passarge syndrome. Identifiers: Orphanet 50944, MedGen C1857069, MONDO:0009145, OMIM 224750.

Submission:

Juno Genomics, Hangzhou Juno Genomics, Inc
Classification: Uncertain significance for Odonto-onycho-dermal dysplasia; Schöpf-Schulz-Passarge syndrome; Tooth agenesis, selective, 4. Review status: criteria provided, single submitter. Criteria: ACMG Guidelines, 2015. Collection method: clinical testing. Allele origin: germline.
Comment: Absent from controls (or at extremely low frequency if recessive) in Genome Aggregation Database.;Multiple lines of computational evidence support a deleterious effect on the gene or gene product.

NM_025216.3(WNT10A):c.365T>A (p.Ile122Asn)

Gene: WNT10A (Wnt family member 10A; plus strand). Cytogenetic location: 2q35.
Variant type: single nucleotide variant.
Coding change: c.365T>A on transcript NM_025216.3 (MANE Select); coding-DNA position 365, T replaced by A.
Protein change: p.Ile122Asn; replaces isoleucine 122 with asparagine.
Molecular consequence: missense variant.
Genome position (GRCh38, 1-based): chr2:218,882,412, T>A. VCF-style: chr2-218882412-T-A. GRCh37 (hg19) VCF-style: chr2-219747134-T-A.
Other names: short protein forms I122N.
Identifiers: ClinVar variation 5019829 (VCV005019829.2).